The following is an entry in ClinVar:

ClinVar aggregate classification (germline): Uncertain significance. Review status: criteria provided, multiple submitters, no conflicts (2 of 4 stars). 3 submissions from 3 submitters: Uncertain significance (3). Last evaluated 2026-07-02.

Conditions:
PCNT-related disorder. Also called: PCNT-related condition.
Microcephalic osteodysplastic primordial dwarfism type II (MOPD2). Also called: Microcephalic osteodysplastic primordial dwarfism with tooth abnormalities; MOPD II; OSTEODYSPLASTIC PRIMORDIAL DWARFISM, TYPE II. Identifiers: Orphanet 2637, MedGen C0432246, MONDO:0008872, OMIM 210720.

Allele frequency attached by ClinVar (database versions not stated): ExAC 0.00006; ESP Exome Variant Server 0.00008; gnomAD exomes 0.00008 and 0.00011; TOPMed 0.00014; gnomAD 0.00017.
gnomAD v4.1: 187 of 1,609,714 alleles (0.012%); highest among the groups gnomAD compares: Admixed American, 0.023%; no homozygotes.

Submissions (3):

PreventionGenetics, part of Exact Sciences
Classification: Uncertain significance for PCNT-related condition. Last evaluated: 2026-07-02. Review status: criteria provided, single submitter. Criteria: ACMG Guidelines, 2015. Collection method: clinical testing. Allele origin: germline.
Comment: The PCNT c.9684C>T variant is not predicted to result in an amino acid change (p.=). This variant is predicted to alter splicing based on available splicing prediction programs (SpliceAI, Jaganathan et al. 2019. PubMed ID: 30661751). However, the use of computer prediction programs is not equivalent to functional evidence. To our knowledge, this variant has not been reported in the literature. This variant is reported in 0.017% of alleles in individuals of Latino descent in gnomAD. At this time, the clinical significance of this variant is uncertain due to the absence of conclusive functional and genetic evidence.

Labcorp Genetics (formerly Invitae), Labcorp
Classification: Uncertain significance. Last evaluated: 2022-08-31. Review status: criteria provided, single submitter. Criteria: Invitae Variant Classification Sherloc (09022015). Collection method: clinical testing. Allele origin: germline.
Comment: This sequence change affects codon 3228 of the PCNT mRNA. It is a 'silent' change, meaning that it does not change the encoded amino acid sequence of the PCNT protein. This variant is present in population databases (rs1128166, gnomAD 0.02%). This variant has not been reported in the literature in individuals affected with PCNT-related conditions. ClinVar contains an entry for this variant (Variation ID: 896314). Algorithms developed to predict the effect of sequence changes on RNA splicing suggest that this variant may disrupt the consensus splice site. In summary, the available evidence is currently insufficient to determine the role of this variant in disease. Therefore, it has been classified as a Variant of Uncertain Significance.

Illumina Laboratory Services, Illumina
Classification: Uncertain significance for Microcephalic osteodysplastic primordial dwarfism type II. Last evaluated: 2018-03-30. Review status: criteria provided, single submitter. Criteria: ICSL Variant Classification Criteria 13 December 2019. Collection method: clinical testing. Allele origin: germline.

NM_006031.6(PCNT):c.9684C>T (p.Gly3228=)

Gene: PCNT (pericentrin; plus strand). Cytogenetic location: 21q22.3.
Variant type: single nucleotide variant.
Coding change: c.9684C>T on transcript NM_006031.6 (MANE Select); coding-DNA position 9684, C replaced by T.
Protein change: p.Gly3228=; no amino-acid change (glycine 3228 retained).
Molecular consequence: synonymous variant.
Genome position (GRCh38, 1-based): chr21:46,442,557, C>T. VCF-style: chr21-46442557-C-T. GRCh37 (hg19) VCF-style: chr21-47862470-C-T.
Other names: c.9093C>T, p.Gly3031= (NM_001315529.2).
Identifiers: ClinVar variation 896314 (VCV000896314.11), dbSNP rs1128166, ClinGen allele CA10081413.
Genomic context (GRCh38, chr21:46,442,557, plus strand): 5'-ATTACGTTTTTTGGTTAAGAAATGGCAAGAAGTAGATCGGAAAGGAGCTCTGGCACAAGG[C>T]AAAGCCCCTCGCCCAGGTGGGACTCCAGCTGCTGTTGACCGCTGGACTCACAAACCTTTC-3'
Protein context (NP_006022.3, residues 3218-3238): EVDRKGALAQ[Gly3228=]KAPRPGPRAR